The following is an entry in ClinVar:

NM_176824.3(BBS7):c.1487G>A (p.Arg496Lys)

Gene: BBS7 (Bardet-Biedl syndrome 7; minus strand). Cytogenetic location: 4q27.
Variant type: single nucleotide variant.
Coding change: c.1487G>A on transcript NM_176824.3 (MANE Select); coding-DNA position 1487, G replaced by A.
Protein change: p.Arg496Lys; replaces arginine 496 with lysine.
Molecular consequence: missense variant.
Genome position (GRCh38, 1-based): chr4:121,835,168, C>T on the plus strand (G>A on the coding strand, the complement: BBS7 is on the minus strand). VCF-style: chr4-121835168-C-T. GRCh37 (hg19) VCF-style: chr4-122756323-C-T.
Other names: c.1487G>A, p.Arg496Lys (NM_018190.4); short protein forms R496K.
Identifiers: ClinVar variation 960381 (VCV000960381.6), dbSNP rs750133083, ClinGen allele CA358058479.

ClinVar aggregate classification (germline): Uncertain significance. Review status: criteria provided, multiple submitters, no conflicts (2 of 4 stars). 3 submissions from 3 submitters: Uncertain significance (3). Last evaluated 2024-07-23.

Conditions:
Inborn genetic diseases. Identifiers: MedGen C0950123, MeSH D030342.
Bardet-Biedl syndrome 7 (BBS7). Identifiers: Orphanet 110, MedGen C1859565, MONDO:0014435, OMIM 615984.
Bardet-Biedl syndrome (BBS). Identifiers: Orphanet 110, MedGen C0752166, MONDO:0015229.

Allele frequency attached by ClinVar (database versions not stated): gnomAD 0.00001.
gnomAD v4.1: 1 of 1,613,700 alleles (0.000062%); no homozygotes.

Submissions (3):

Ambry Genetics
Classification: Uncertain significance for Inborn genetic diseases. Last evaluated: 2024-07-23. Review status: criteria provided, single submitter. Criteria: Ambry Variant Classification Scheme 2023. Collection method: clinical testing. Allele origin: germline.

Fulgent Genetics
Classification: Uncertain significance for Bardet-Biedl syndrome 7. Last evaluated: 2024-06-11. Review status: criteria provided, single submitter. Criteria: ACMG Guidelines, 2015. Collection method: clinical testing. Allele origin: germline.

Labcorp Genetics (formerly Invitae), Labcorp
Classification: Uncertain significance for Bardet-Biedl syndrome. Last evaluated: 2022-03-20. Review status: criteria provided, single submitter. Criteria: Invitae Variant Classification Sherloc (09022015). Collection method: clinical testing. Allele origin: germline.
Comment: In summary, the available evidence is currently insufficient to determine the role of this variant in disease. Therefore, it has been classified as a Variant of Uncertain Significance. Algorithms developed to predict the effect of missense changes on protein structure and function (SIFT, PolyPhen-2, Align-GVGD) all suggest that this variant is likely to be disruptive. ClinVar contains an entry for this variant (Variation ID: 960381). This variant has not been reported in the literature in individuals affected with BBS7-related conditions. This variant is not present in population databases (gnomAD no frequency). This sequence change replaces arginine, which is basic and polar, with lysine, which is basic and polar, at codon 496 of the BBS7 protein (p.Arg496Lys).